The following is an entry in ClinVar:

ClinVar aggregate classification (germline): Pathogenic (1 of 4 stars; one submission).

Submission:

GeneDx
Classification: Pathogenic. Last evaluated: 2017-03-23. Review status: criteria provided, single submitter. Criteria: GeneDx Variant Classification (06012015). Collection method: clinical testing. Allele origin: germline. Affected: yes.
Comment: The S3380X variant in the KMT2A gene has not been reported previously as a pathogenic variant nor as a benign variant, to our knowledge. This variant is predicted to cause loss of normal protein function either through protein truncation or nonsense-mediated mRNA decay. The S3380X variant is not observed in large population cohorts (Lek et al., 2016; 1000 Genomes Consortium et al., 2015; Exome Variant Server). We interpret S3380X as a pathogenic variant.

NM_001197104.2(KMT2A):c.10139C>G (p.Ser3380Ter)

Gene: KMT2A (lysine methyltransferase 2A; plus strand). Cytogenetic location: 11q23.3.
Variant type: single nucleotide variant.
Coding change: c.10139C>G on transcript NM_001197104.2 (MANE Select); coding-DNA position 10139, C replaced by G.
Protein change: p.Ser3380Ter; replaces serine 3380 with a stop codon.
Molecular consequence: nonsense.
Genome position (GRCh38, 1-based): chr11:118,506,031, C>G. VCF-style: chr11-118506031-C-G. GRCh37 (hg19) VCF-style: chr11-118376746-C-G.
Other names: c.10130C>G, p.Ser3377Ter (NM_005933.4); short protein forms S3380*, S3377*.
Identifiers: ClinVar variation 424534 (VCV000424534.2), dbSNP rs1064797024, ClinGen allele CA16619283.